The following is an entry in ClinVar:

NM_000179.3(MSH6):c.3525T>C (p.Thr1175=)

Gene: MSH6 (mutS homolog 6; plus strand). Cytogenetic location: 2p16.3.
Variant type: single nucleotide variant.
Coding change: c.3525T>C on transcript NM_000179.3 (MANE Select); coding-DNA position 3525, T replaced by C.
Protein change: p.Thr1175=; no amino-acid change (threonine 1175 retained).
Molecular consequence: synonymous variant.
Genome position (GRCh38, 1-based): chr2:47,804,996, T>C. VCF-style: chr2-47804996-T-C. GRCh37 (hg19) VCF-style: chr2-48032135-T-C.
Other names: c.3135T>C, p.Thr1045= (NM_001281492.2); c.2619T>C, p.Thr873= (NM_001281493.2, NM_001281494.2).
Identifiers: ClinVar variation 491943 (VCV000491943.4), dbSNP rs1553332284, ClinGen allele CA425997234.
Genomic context (GRCh38, chr2:47,804,996, plus strand): 5'-GATGGGTTGTTACGTCCCTGCTGAAGTGTGCAGGCTCACACCAATTGATAGAGTGTTTAC[T>C]AGACTTGGTGCCTCAGACAGAATAATGTCAGGTGAGTTTTTTGTTTCCCACTTAAGTTCT-3'
Protein context (NP_000170.1, residues 1165-1185): CRLTPIDRVF[Thr1175=]RLGASDRIMS

ClinVar aggregate classification (germline): Benign/Likely benign. Review status: criteria provided, multiple submitters, no conflicts (2 of 4 stars). 2 submissions from 2 submitters: Benign (1); Likely benign (1). Last evaluated 2025-01-07.

Conditions:
Hereditary cancer-predisposing syndrome. Also called: Hereditary neoplastic syndrome; Tumor predisposition; Hereditary Cancer Syndrome; Neoplastic Syndromes, Hereditary. Identifiers: Orphanet 140162, MedGen C0027672, MeSH D009386, MONDO:0015356.
Lynch syndrome 5 (LYNCH5). Also called: Colorectal cancer, hereditary nonpolyposis, type 5; Hereditary non-polyposis colorectal cancer, type 5. Identifiers: Orphanet 144, MedGen C1833477, MONDO:0013710, OMIM 614350. Disease mechanism: loss of function.

Submissions (2):

Myriad Genetics, Inc.
Classification: Benign for Lynch syndrome 5. Last evaluated: 2025-01-07. Review status: criteria provided, single submitter. Criteria: Myriad Autosomal Dominant, Autosomal Recessive and X-Linked Classification Criteria (2023). Collection method: clinical testing. Allele origin: unknown.
Comment: This variant is considered benign. This variant is a silent/synonymous amino acid change and it is not expected to impact splicing.

Color Diagnostics, LLC DBA Color Health
Classification: Likely benign for Hereditary cancer-predisposing syndrome. Last evaluated: 2017-10-20. Review status: criteria provided, single submitter. Criteria: ACMG Guidelines, 2015. Collection method: clinical testing. Allele origin: germline.